The following is an entry in ClinVar:

ClinVar aggregate classification (germline): Uncertain significance (1 of 4 stars; one submission).

Conditions:
Cardiovascular phenotype. Identifiers: MedGen CN230736.

Allele frequency attached by ClinVar (database versions not stated): gnomAD exomes below 0.00001; TOPMed below 0.00001.
gnomAD v4.1: 1 of 1,606,664 alleles (0.000062%); highest among the groups gnomAD compares: Non-Finnish European, 0.000085%; no homozygotes.

Submission:

Ambry Genetics
Classification: Uncertain significance for Cardiovascular phenotype. Last evaluated: 2023-11-08. Review status: criteria provided, single submitter. Criteria: Ambry Variant Classification Scheme 2023. Collection method: clinical testing. Allele origin: germline.
Comment: The p.W260C variant (also known as c.780G>C), located in coding exon 6 of the LMF1 gene, results from a G to C substitution at nucleotide position 780. The tryptophan at codon 260 is replaced by cysteine, an amino acid with highly dissimilar properties. This amino acid position is conserved. In addition, this alteration is predicted to be tolerated by in silico analysis. Since supporting evidence is limited at this time, the clinical significance of this alteration remains unclear.

NM_022773.4(LMF1):c.780G>C (p.Trp260Cys)

Gene: LMF1 (lipase maturation factor 1; minus strand). Cytogenetic location: 16p13.3.
Variant type: single nucleotide variant.
Coding change: c.780G>C on transcript NM_022773.4 (MANE Select); coding-DNA position 780, G replaced by C.
Protein change: p.Trp260Cys; replaces tryptophan 260 with cysteine.
Molecular consequence: missense variant. On other transcripts: non-coding transcript variant (1).
Genome position (GRCh38, 1-based): chr16:879,687, C>G on the plus strand (G>C on the coding strand, the complement: LMF1 is on the minus strand). VCF-style: chr16-879687-C-G. GRCh37 (hg19) VCF-style: chr16-929687-C-G.
Other names: c.129G>C, p.Trp43Cys (NM_001352017.2, NM_001352021.2); c.381G>C, p.Trp127Cys (NM_001352018.2); c.453G>C, p.Trp151Cys (NM_001352019.2); c.780G>C, p.Trp260Cys (NM_001352020.1); short protein forms W127C, W151C, W260C, W43C.
Identifiers: ClinVar variation 2278013 (VCV002278013.2), dbSNP rs1596888601, ClinGen allele CA394131842.
Genomic context (GRCh38, chr16:879,687, plus strand): 5'-GAAGAAGGGCACCAGGAGCTCGATGAAGTGGTTGCTGAGCGTCTCGAAGCGATGGAACCA[C>G]CAGGGTGAGTGGTGCAGGTAGTACGCCACAGGATTGGGCATCGGCTGGGTCTGCAGGGAC-3'
Protein context (NP_073610.2, residues 250-270): PVAYYLHHSP[Trp260Cys]WFHRFETLSN